The following is an entry in ClinVar:

NM_003835.4(RGS9):c.1469C>T (p.Pro490Leu)

Gene: RGS9 (regulator of G protein signaling 9; plus strand). Cytogenetic location: 17q24.1.
Variant type: single nucleotide variant.
Coding change: c.1469C>T on transcript NM_003835.4 (MANE Select); coding-DNA position 1469, C replaced by T.
Protein change: p.Pro490Leu; replaces proline 490 with leucine.
Molecular consequence: missense variant.
Genome position (GRCh38, 1-based): chr17:65,225,063, C>T. VCF-style: chr17-65225063-C-T. GRCh37 (hg19) VCF-style: chr17-63221181-C-T.
Other names: c.1460C>T, p.Pro487Leu (NM_001081955.3); short protein forms P487L, P490L.
Identifiers: ClinVar variation 1970660 (VCV001970660.2), dbSNP rs760783717, ClinGen allele CA8718068.

ClinVar aggregate classification (germline): Uncertain significance (1 of 4 stars; one submission).

Allele frequency attached by ClinVar (database versions not stated): ExAC 0.00001.
gnomAD v4.1: 18 of 1,614,028 alleles (0.0011%); highest among the groups gnomAD compares: South Asian, 0.0055%; no homozygotes.

Submission:

Labcorp Genetics (formerly Invitae), Labcorp
Classification: Uncertain significance. Last evaluated: 2022-06-15. Review status: criteria provided, single submitter. Criteria: Invitae Variant Classification Sherloc (09022015). Collection method: clinical testing. Allele origin: germline.
Comment: This sequence change replaces proline, which is neutral and non-polar, with leucine, which is neutral and non-polar, at codon 490 of the RGS9 protein (p.Pro490Leu). This variant is present in population databases (rs760783717, gnomAD 0.01%). This variant has not been reported in the literature in individuals affected with RGS9-related conditions. Algorithms developed to predict the effect of missense changes on protein structure and function (SIFT, PolyPhen-2, Align-GVGD) all suggest that this variant is likely to be tolerated. In summary, the available evidence is currently insufficient to determine the role of this variant in disease. Therefore, it has been classified as a Variant of Uncertain Significance.